The following is an entry in ClinVar:

NM_001370298.3(FGD4):c.848G>T (p.Ser283Ile)

Gene: FGD4 (FYVE, RhoGEF and PH domain containing 4; plus strand). Cytogenetic location: 12p11.21.
Variant type: single nucleotide variant.
Coding change: c.848G>T on transcript NM_001370298.3 (MANE Select); coding-DNA position 848, G replaced by T.
Protein change: p.Ser283Ile; replaces serine 283 with isoleucine.
Molecular consequence: missense variant. On other transcripts: 5 prime UTR variant (2), non-coding transcript variant (1), intron variant (1).
Genome position (GRCh38, 1-based): chr12:32,582,304, G>T. VCF-style: chr12-32582304-G-T. GRCh37 (hg19) VCF-style: chr12-32735238-G-T.
Other names: c.692G>T, p.Ser231Ile (NM_001304481.2); c.-408G>T (NM_001304483.2); c.-715G>T (NM_001304484.2); c.158G>T, p.Ser53Ile (NM_001330373.2, NM_001330374.2, NM_001384130.1); c.848G>T, p.Ser283Ile (NM_001384126.1); c.437G>T, p.Ser146Ile (NM_001384127.1, NM_001384128.1, NM_001384131.1 and 3 more transcripts); c.49-16193G>T (NM_001370297.1); short protein forms S231I, S146I, S53I, S283I.
Identifiers: ClinVar variation 543399 (VCV000543399.6), dbSNP rs1208033042, ClinGen allele CA384356252.

ClinVar aggregate classification (germline): Uncertain significance (1 of 4 stars; one submission).

Conditions:
Charcot-Marie-Tooth disease type 4. Also called: Charcot-Marie-Tooth disease, type IV; Charcot-Marie-Tooth, Type 4. Identifiers: Orphanet 64749, MedGen C4082197, MONDO:0018995.

Allele frequency attached by ClinVar (database versions not stated): TOPMed below 0.00001; gnomAD 0.00001.
gnomAD v4.1: 24 of 1,614,096 alleles (0.0015%); highest among the groups gnomAD compares: African/African-American, 0.0027%; no homozygotes.

Submission:

Labcorp Genetics (formerly Invitae), Labcorp
Classification: Uncertain significance for Charcot-Marie-Tooth disease type 4. Last evaluated: 2021-12-13. Review status: criteria provided, single submitter. Criteria: Invitae Variant Classification Sherloc (09022015). Collection method: clinical testing. Allele origin: germline.
Comment: Algorithms developed to predict the effect of missense changes on protein structure and function output the following: SIFT: "Tolerated"; PolyPhen-2: "Benign"; Align-GVGD: "Class C0". The isoleucine amino acid residue is found in multiple mammalian species, which suggests that this missense change does not adversely affect protein function. ClinVar contains an entry for this variant (Variation ID: 543399). This variant has not been reported in the literature in individuals affected with FGD4-related conditions. This variant is present in population databases (no rsID available, gnomAD 0.008%). This sequence change replaces serine, which is neutral and polar, with isoleucine, which is neutral and non-polar, at codon 146 of the FGD4 protein (p.Ser146Ile). In summary, the available evidence is currently insufficient to determine the role of this variant in disease. Therefore, it has been classified as a Variant of Uncertain Significance.